The following is an entry in ClinVar:

NM_000038.6(APC):c.3197G>T (p.Arg1066Ile)

Gene: APC (APC regulator of Wnt signaling pathway; plus strand). Cytogenetic location: 5q22.2.
Variant type: single nucleotide variant.
Coding change: c.3197G>T on transcript NM_000038.6 (MANE Select); coding-DNA position 3197, G replaced by T.
Protein change: p.Arg1066Ile; replaces arginine 1066 with isoleucine.
Molecular consequence: missense variant.
Genome position (GRCh38, 1-based): chr5:112,838,791, G>T. VCF-style: chr5-112838791-G-T. GRCh37 (hg19) VCF-style: chr5-112174488-G-T.
Other names: c.3197G>T, p.Arg1066Ile (NM_001127510.3, NM_001354895.2, NM_001407450.1); c.3143G>T, p.Arg1048Ile (NM_001127511.3); c.3251G>T, p.Arg1084Ile (NM_001354896.2, NM_001407447.1, NM_001407448.1 and 1 more transcripts); c.3227G>T, p.Arg1076Ile (NM_001354897.2); c.3122G>T, p.Arg1041Ile (NM_001354898.2); c.3113G>T, p.Arg1038Ile (NM_001354899.2); c.3074G>T, p.Arg1025Ile (NM_001354900.2); c.3020G>T, p.Arg1007Ile (NM_001354901.2, NM_001407453.1); and 11 more; short protein forms R1025I, R1048I, R1066I, R1076I, R1084I, R682I, R906I, R1007I.
Identifiers: ClinVar variation 1728725 (VCV001728725.2), dbSNP rs587778039, ClinGen allele CA16028347.

ClinVar aggregate classification (germline): Uncertain significance (1 of 4 stars; one submission).

Conditions:
Hereditary cancer-predisposing syndrome. Also called: Tumor predisposition; Neoplastic Syndromes, Hereditary; Hereditary Cancer Syndrome; Hereditary neoplastic syndrome. Identifiers: Orphanet 140162, MedGen C0027672, MeSH D009386, MONDO:0015356.

Submission:

Ambry Genetics
Classification: Uncertain significance for Hereditary cancer-predisposing syndrome. Last evaluated: 2022-09-27. Review status: criteria provided, single submitter. Criteria: Ambry Variant Classification Scheme 2023. Collection method: clinical testing. Allele origin: germline.
Comment: The p.R1066I variant (also known as c.3197G>T), located in coding exon 15 of the APC gene, results from a G to T substitution at nucleotide position 3197. The arginine at codon 1066 is replaced by isoleucine, an amino acid with similar properties. This amino acid position is conserved. In addition, in silico predictors for this gene do not accurately predict pathogenicity. Since supporting evidence is limited at this time, the clinical significance of this alteration remains unclear.